The following is an entry in ClinVar:

NM_206933.4(USH2A):c.8137G>T (p.Ala2713Ser)

Gene: USH2A (usherin; minus strand). Cytogenetic location: 1q41.
Variant type: single nucleotide variant.
Coding change: c.8137G>T on transcript NM_206933.4 (MANE Select); coding-DNA position 8137, G replaced by T.
Protein change: p.Ala2713Ser; replaces alanine 2713 with serine.
Molecular consequence: missense variant.
Genome position (GRCh38, 1-based): chr1:215,888,512, C>A on the plus strand (G>T on the coding strand, the complement: USH2A is on the minus strand). VCF-style: chr1-215888512-C-A. GRCh37 (hg19) VCF-style: chr1-216061854-C-A.
Other names: c.8137G>T (NM_206933.2); short protein forms A2713S.
Identifiers: ClinVar variation 1100373 (VCV001100373.14), dbSNP rs199934541, ClinGen allele CA1394679.
Genomic context (GRCh38, chr1:215,888,512, plus strand): 5'-TCACCACAGGTGGCTGCACCCCAGCAGGTCGTGAGGGTCTTGTGGTAACTTCTACCCAAG[C>A]ACTGCTGTTTGTGCCTCCATGAAGAGTGCTCATCAGTACCCGATATTCATATTTTGTCCA-3'
Protein context (NP_996816.3, residues 2703-2723): STLHGGTNSS[Ala2713Ser]WVEVTTRPSR

ClinVar aggregate classification (germline): Conflicting classifications of pathogenicity. Review status: criteria provided, conflicting classifications (1 of 4 stars). 5 submissions from 5 submitters: Uncertain significance (2); Likely benign (1). 2 of the submissions do not count toward it. Last evaluated 2025-12-18.

Conditions:
USH2A-related disorder. Also called: USH2A-related condition; USH2A-related disorders. Identifiers: MedGen CN239332.

Allele frequency attached by ClinVar (database versions not stated): TOPMed 0.00006; gnomAD 0.00007; ExAC 0.00012; 1000 Genomes Project 0.00020; 1000 Genomes Project 30x 0.00031.
gnomAD v4.1: 264 of 1,614,172 alleles (0.016%); highest among the groups gnomAD compares: Non-Finnish European, 0.021%; no homozygotes.

Submissions (5):

PreventionGenetics, part of Exact Sciences
Classification: Uncertain significance for USH2A-related condition. Last evaluated: 2025-12-18. Review status: criteria provided, single submitter. Criteria: ACMG Guidelines, 2015. Collection method: clinical testing. Allele origin: germline.
Comment: The USH2A c.8137G>T variant is predicted to result in the amino acid substitution p.Ala2713Ser. To our knowledge, this variant has not been reported in the literature. This variant is present in 0.019% of alleles in individuals of European (Non-Finnish) descent in gnomAD. At this time, the clinical significance of this variant is uncertain due to the absence of conclusive functional and genetic evidence.

Labcorp Genetics (formerly Invitae), Labcorp
Classification: Likely benign. Last evaluated: 2025-11-10. Review status: criteria provided, single submitter. Criteria: Invitae Variant Classification Sherloc (09022015). Collection method: clinical testing. Allele origin: germline.

Blueprint Genetics
Classification: Uncertain significance. Last evaluated: 2024-04-30. Review status: criteria provided, single submitter. Criteria: ACMG Guidelines, 2015. Collection method: clinical testing. Allele origin: germline.

Clinical Genetics DNA and cytogenetics Diagnostics Lab, Erasmus MC, Erasmus Medical Center
Classification: Uncertain significance. Review status: no assertion criteria provided. Collection method: clinical testing. Allele origin: germline. Affected: yes. Study: VKGL Data-share Consensus. Not counted in ClinVar's aggregate classification.

Clinical Genetics, Academic Medical Center
Classification: Uncertain significance. Review status: no assertion criteria provided. Collection method: clinical testing. Allele origin: germline. Affected: yes. Study: VKGL Data-share Consensus. Not counted in ClinVar's aggregate classification.